The following is an entry in ClinVar:

NM_177438.3(DICER1):c.5183C>A (p.Ser1728Tyr)

Gene: DICER1 (dicer 1, ribonuclease III; minus strand). Cytogenetic location: 14q32.13.
Variant type: single nucleotide variant.
Coding change: c.5183C>A on transcript NM_177438.3 (MANE Select); coding-DNA position 5183, C replaced by A.
Protein change: p.Ser1728Tyr; replaces serine 1728 with tyrosine.
Molecular consequence: missense variant. On other transcripts: non-coding transcript variant (6).
Genome position (GRCh38, 1-based): chr14:95,094,069, G>T on the plus strand (C>A on the coding strand, the complement: DICER1 is on the minus strand). VCF-style: chr14-95094069-G-T. GRCh37 (hg19) VCF-style: chr14-95560406-G-T.
Other names: c.5183C>A, p.Ser1728Tyr (NM_001195573.1, NM_001271282.3, NM_001291628.2 and 9 more transcripts); c.4901C>A, p.Ser1634Tyr (NM_001395686.1); c.4778C>A, p.Ser1593Tyr (NM_001395687.1, NM_001395688.1, NM_001395689.1 and 1 more transcripts); c.4616C>A, p.Ser1539Tyr (NM_001395691.1); c.3500C>A, p.Ser1167Tyr (NM_001395697.1); short protein forms S1167Y, S1634Y, S1728Y, S1539Y, S1593Y.
Identifiers: ClinVar variation 2702389 (VCV002702389.4), dbSNP rs762801582, ClinGen allele CA390865260.

ClinVar aggregate classification (germline): Uncertain significance. Review status: criteria provided, multiple submitters, no conflicts (2 of 4 stars). 2 submissions from 2 submitters: Uncertain significance (2). Last evaluated 2024-03-02.

Conditions:
Hereditary cancer-predisposing syndrome. Also called: Hereditary Cancer Syndrome; Hereditary neoplastic syndrome; Neoplastic Syndromes, Hereditary; Tumor predisposition. Identifiers: Orphanet 140162, MedGen C0027672, MeSH D009386, MONDO:0015356.
DICER1-related tumor predisposition. Also called: DICER1-related pleuropulmonary blastoma cancer predisposition syndrome; DICER1 syndrome. Identifiers: Orphanet 284343, MedGen C3839822, MONDO:0100216.

Submissions (2):

Labcorp Genetics (formerly Invitae), Labcorp
Classification: Uncertain significance for DICER1-related tumor predisposition. Last evaluated: 2024-03-02. Review status: criteria provided, single submitter. Criteria: Invitae Variant Classification Sherloc (09022015). Collection method: clinical testing. Allele origin: germline.
Comment: This sequence change replaces serine, which is neutral and polar, with tyrosine, which is neutral and polar, at codon 1728 of the DICER1 protein (p.Ser1728Tyr). This variant is not present in population databases (gnomAD no frequency). This variant has not been reported in the literature in individuals affected with DICER1-related conditions. Advanced modeling of protein sequence and biophysical properties (such as structural, functional, and spatial information, amino acid conservation, physicochemical variation, residue mobility, and thermodynamic stability) performed at Invitae indicates that this missense variant is expected to disrupt DICER1 protein function with a positive predictive value of 80%. In summary, the available evidence is currently insufficient to determine the role of this variant in disease. Therefore, it has been classified as a Variant of Uncertain Significance.

Ambry Genetics
Classification: Uncertain significance for Hereditary cancer-predisposing syndrome. Last evaluated: 2023-12-14. Review status: criteria provided, single submitter. Criteria: Ambry Variant Classification Scheme 2023. Collection method: clinical testing. Allele origin: germline.
Comment: The p.S1728Y variant (also known as c.5183C>A), located in coding exon 23 of the DICER1 gene, results from a C to A substitution at nucleotide position 5183. The serine at codon 1728 is replaced by tyrosine, an amino acid with dissimilar properties. This amino acid position is conserved. In addition, this alteration is predicted to be deleterious by in silico analysis. Since supporting evidence is limited at this time, the clinical significance of this alteration remains unclear.